The following is an entry in ClinVar:

ClinVar aggregate classification (germline): Uncertain significance (1 of 4 stars; one submission).

Conditions:
Hereditary breast ovarian cancer syndrome. Also called: BRCA1- and BRCA2-Associated Hereditary Breast and Ovarian Cancer; Hereditary breast and ovarian cancer; Hereditary breast and ovarian cancer syndrome; Hereditary breast and/or ovarian cancer syndrome; Hereditary breast and ovarian cancer syndrome (HBOC); Breast and ovarian cancer. Identifiers: Orphanet 145, MedGen C0677776, MeSH D061325, MONDO:0003582. Disease mechanism: loss of function.

Submission:

Labcorp Genetics (formerly Invitae), Labcorp
Classification: Uncertain significance for Hereditary breast ovarian cancer syndrome. Last evaluated: 2019-10-15. Review status: criteria provided, single submitter. Criteria: Invitae Variant Classification Sherloc (09022015). Collection method: clinical testing. Allele origin: germline.
Comment: In summary, the available evidence is currently insufficient to determine the role of this variant in disease. Therefore, it has been classified as a Variant of Uncertain Significance. Experimental studies and prediction algorithms are not available or were not evaluated, and the functional significance of this variant is currently unknown. This variant has not been reported in the literature in individuals with BRCA2-related conditions. This variant is not present in population databases (ExAC no frequency). This variant, c.6436_6438del, results in the deletion of 1 amino acid(s) of the BRCA2 protein (p.Asn2146del), but otherwise preserves the integrity of the reading frame.

NM_000059.4(BRCA2):c.6433AAT[1] (p.Asn2146del)

Gene: BRCA2 (BRCA2 DNA repair associated; plus strand). Cytogenetic location: 13q13.1.
Variant type: Microsatellite.
Coding change: c.6433AAT[1] on transcript NM_000059.4 (MANE Select); one copy of the 3-base unit AAT starting at c.6433; the reference has two copies in a row; one copy, 3 bases deleted.
Protein change: p.Asn2146del; deletes asparagine 2146.
Molecular consequence: inframe deletion.
Genome position (GRCh38, 1-based): chr13:32,340,791-32,340,793, AAT deleted; deleting any 3 consecutive bases within chr13:32,340,788-32,340,793 gives the same sequence; the position shown is the placement nearest the transcript's 3' end. VCF-style (leftmost placement, unchanged base first): chr13-32340787-AAAT-A. GRCh37 (hg19) VCF-style: chr13-32914924-AAAT-A.
Other names: short protein forms N2146del.
Identifiers: ClinVar variation 971870 (VCV000971870.10), dbSNP rs2072555402, ClinGen allele CA2082814429.
Genomic context (GRCh38, chr13:32,340,787, plus strand): 5'-AACCTGCAGTAAAGAATTTAAATTATCAAATAACTTAAATGTTGAAGGTGGTTCTTCAGA[AAAT>A]AATCACTCTATTAAAGTTTCTCCATATCTCTCTCAATTTCAACAAGACAAACAACAGTTG-3'